The following is an entry in ClinVar:

ClinVar aggregate classification (germline): Uncertain significance (1 of 4 stars; one submission).

Submission:

Labcorp Genetics (formerly Invitae), Labcorp
Classification: Uncertain significance. Last evaluated: 2024-10-04. Review status: criteria provided, single submitter. Criteria: Invitae Variant Classification Sherloc (09022015). Collection method: clinical testing. Allele origin: germline.
Comment: This sequence change affects the initiator methionine of the TOP3A mRNA. The next in-frame methionine is located at codon 26. This variant is not present in population databases (gnomAD no frequency). Disruption of the initiator codon has been observed in individual(s) with clinical features of TOP3A-related conditions (internal data). In summary, the available evidence is currently insufficient to determine the role of this variant in disease. Therefore, it has been classified as a Variant of Uncertain Significance.

NM_004618.5(TOP3A):c.-30_18del (p.Met1_Ala6del)

Genes: TOP3A (DNA topoisomerase III alpha; minus strand), LOC130060427 (ATAC-STARR-seq lymphoblastoid active region 11836; plus strand). Cytogenetic location: 17p11.2.
Variant type: Deletion.
Coding change: c.-30_18del on transcript NM_004618.5 (MANE Select); 30 bases upstream of the start codon through coding-DNA position 18, 48 bases deleted.
Protein change: p.Met1_Ala6del.
Molecular consequence: initiator codon variant. On other transcripts: 5 prime UTR variant (1).
Genome position (GRCh38, 1-based): chr17:18,314,761-18,314,808, 48 bases deleted; deleting any 48 consecutive bases within chr17:18,314,761-18,314,811 gives the same sequence; the c. name uses the placement nearest the transcript's 3' end. GRCh37 (hg19): chr17:18,218,078-18,218,125.
Other names: c.-241_-194del (NM_001320759.2).
Identifiers: ClinVar variation 3718266 (VCV003718266.2).
Genomic context (GRCh38, chr17:18,314,760, plus strand): 5'-CCATGGCGGCGCGGGAAAAGGCACGGTCTTCGGGCCGTCGCAGCCACCGGAGCGCGTAGC[GGGCGACAGGAAAGATCATCCTCAGACCTCGCGCCCGGAGCCGCTCCCC>G]GGCTGCCGGCGCATCCTGGGGAAGCCAGAGATGAGGCTCAAATGGCGCCCACCGAAAGGG-3'